The following is an entry in ClinVar:

ClinVar aggregate classification (germline): Conflicting classifications of pathogenicity. Review status: criteria provided, conflicting classifications (1 of 4 stars). 3 submissions from 3 submitters: Uncertain significance (2); Likely benign (1). Last evaluated 2026-09-23.

Conditions:
Cognitive impairment - coarse facies - heart defects - obesity - pulmonary involvement - short stature - skeletal dysplasia syndrome. Also called: Chops syndrome; COGNITIVE IMPAIRMENT, COARSE FACIES, HEART DEFECTS, OBESITY, PULMONARY INVOLVEMENT, SHORT STATURE, AND SKELETAL DYSPLASIA; AFF4-Related CHOPS Syndrome. Identifiers: Orphanet 444077, MedGen C4085597, MONDO:0014609, OMIM 616368.
Inborn genetic diseases. Identifiers: MedGen C0950123, MeSH D030342.
AFF4-related disorder. Also called: AFF4-related condition.

Allele frequency attached by ClinVar (database versions not stated): TOPMed 0.00002; gnomAD 0.00004; gnomAD exomes 0.00004; ExAC 0.00006; 1000 Genomes Project 30x 0.00031; 1000 Genomes Project 0.00040.
gnomAD v4.1: 65 of 1,614,006 alleles (0.004%); highest among the groups gnomAD compares: Middle Eastern, 0.016%; 1 homozygote.

Submissions (3):

PreventionGenetics, part of Exact Sciences
Classification: Uncertain significance for AFF4-related condition. Last evaluated: 2026-09-23. Review status: criteria provided, single submitter. Criteria: ACMG Guidelines, 2015. Collection method: clinical testing. Allele origin: germline.
Comment: The AFF4 c.2351C>T variant is predicted to result in the amino acid substitution p.Thr784Met. To our knowledge, this variant has not been reported in the literature. This variant is reported in 0.0096% of alleles in individuals of Ashkenazi Jewish descent in gnomAD. At this time, the clinical significance of this variant is uncertain due to the absence of conclusive functional and genetic evidence.

Labcorp Genetics (formerly Invitae), Labcorp
Classification: Uncertain significance for Cognitive impairment - coarse facies - heart defects - obesity - pulmonary involvement - short stature - skeletal dysplasia syndrome. Last evaluated: 2026-01-12. Review status: criteria provided, single submitter. Criteria: Invitae Variant Classification Sherloc (09022015). Collection method: clinical testing. Allele origin: germline.
Comment: This sequence change replaces threonine, which is neutral and polar, with methionine, which is neutral and non-polar, at codon 784 of the AFF4 protein (p.Thr784Met). This variant is present in population databases (rs202001213, gnomAD 0.01%). This variant has not been reported in the literature in individuals affected with AFF4-related conditions. ClinVar contains an entry for this variant (Variation ID: 2034451). Invitae Evidence Modeling of protein sequence and biophysical properties (such as structural, functional, and spatial information, amino acid conservation, physicochemical variation, residue mobility, and thermodynamic stability) indicates that this missense variant is not expected to disrupt AFF4 protein function with a negative predictive value of 80%. In summary, the available evidence is currently insufficient to determine the role of this variant in disease. Therefore, it has been classified as a Variant of Uncertain Significance.

Ambry Genetics
Classification: Likely benign for Inborn genetic diseases. Last evaluated: 2025-01-09. Review status: criteria provided, single submitter. Criteria: Ambry Variant Classification Scheme 2023. Collection method: clinical testing. Allele origin: germline.

NM_014423.4(AFF4):c.2351C>T (p.Thr784Met)

Gene: AFF4 (ALF transcription elongation factor 4; minus strand). Cytogenetic location: 5q31.1.
Variant type: single nucleotide variant.
Coding change: c.2351C>T on transcript NM_014423.4 (MANE Select); coding-DNA position 2351, C replaced by T.
Protein change: p.Thr784Met; replaces threonine 784 with methionine.
Molecular consequence: missense variant.
Genome position (GRCh38, 1-based): chr5:132,893,075, G>A on the plus strand (C>T on the coding strand, the complement: AFF4 is on the minus strand). VCF-style: chr5-132893075-G-A. GRCh37 (hg19) VCF-style: chr5-132228767-G-A.
Other names: c.2351C>T (NM_014423.3); short protein forms T784M.
Identifiers: ClinVar variation 2034451 (VCV002034451.6), dbSNP rs202001213, ClinGen allele CA3408949.
Genomic context (GRCh38, chr5:132,893,075, plus strand): 5'-GTTTTGGGAACGTACTCTCTGTTGCTGGATGGCTTATGGCCTGCTGAATTCTTGTCCTCC[G>A]TTTTGGGTTTCTTGCTCTCACTGGCTCGGTTATCATCTTCATTCTAGATGAAAAATAGAA-3'
Protein context (NP_055238.1, residues 774-794): NRASESKKPK[Thr784Met]EDKNSAGHKP